The following is an entry in ClinVar:

NM_001110556.2(FLNA):c.61G>T (p.Val21Phe)

Gene: FLNA (filamin A; minus strand). Cytogenetic location: Xq28.
Variant type: single nucleotide variant.
Coding change: c.61G>T on transcript NM_001110556.2 (MANE Select); coding-DNA position 61, G replaced by T.
Protein change: p.Val21Phe; replaces valine 21 with phenylalanine.
Molecular consequence: missense variant.
Genome position (GRCh38, 1-based): chrX:154,371,185, C>A on the plus strand (G>T on the coding strand, the complement: FLNA is on the minus strand). VCF-style: chrX-154371185-C-A. GRCh37 (hg19) VCF-style: chrX-153599553-C-A.
Other names: c.61G>T, p.Val21Phe (NM_001456.4); short protein forms V21F.
Identifiers: ClinVar variation 651279 (VCV000651279.12), dbSNP rs1223954254, ClinGen allele CA415255748.

ClinVar aggregate classification (germline): Uncertain significance. Review status: criteria provided, multiple submitters, no conflicts (2 of 4 stars). 2 submissions from 2 submitters: Uncertain significance (2). Last evaluated 2024-10-23.

Conditions:
Frontometaphyseal dysplasia (FMD1). Identifiers: Orphanet 1826, MedGen C0265293, MONDO:0015942.
Oto-palato-digital syndrome, type II (OPD2). Also called: FACIOPALATOOSSEOUS SYNDROME; Otopalatodigital Syndrome, Type II; Otopalatodigital Syndrome Type 2 (FLNA-OPD2); OPD II SYNDROME. Identifiers: Orphanet 669, Orphanet 90652, MedGen C1844696, MONDO:0010571, OMIM 304120.
Heterotopia, periventricular, X-linked dominant (PVNH1). Also called: PERIVENTRICULAR NODULAR HETEROTOPIA 4; HETEROTOPIA, PERIVENTRICULAR, 1; PERIVENTRICULAR NODULAR HETEROTOPIA 1; X-linked periventricular heterotopia. Identifiers: Orphanet 2149, Orphanet 82004, MedGen C1848213, MONDO:0010233, OMIM 300049.
Melnick-Needles syndrome (MNS). Also called: Melnick-Needles Syndrome (FLNA-MNS); MELNICK-NEEDLES OSTEODYSPLASTY; OSTEODYSPLASTY OF MELNICK AND NEEDLES. Identifiers: Orphanet 2484, MedGen C0025237, MONDO:0010650, OMIM 309350.
Familial thoracic aortic aneurysm and aortic dissection (TAAD). Also called: Thoracic aortic aneurysms and dissections. Identifiers: Orphanet 91387, MedGen C4707243, MONDO:0019625.

Allele frequency attached by ClinVar (database versions not stated): TOPMed 0.00001; gnomAD 0.00002.
gnomAD v4.1: 3 of 1,193,032 alleles (0.00025%); highest among the groups gnomAD compares: Non-Finnish European, 0.00034%; no homozygotes.

Submissions (2):

Labcorp Genetics (formerly Invitae), Labcorp
Classification: Uncertain significance for Oto-palato-digital syndrome, type II; Heterotopia, periventricular, X-linked dominant; Frontometaphyseal dysplasia; Melnick-Needles syndrome. Last evaluated: 2024-10-23. Review status: criteria provided, single submitter. Criteria: Invitae Variant Classification Sherloc (09022015). Collection method: clinical testing. Allele origin: germline.
Comment: This sequence change replaces valine, which is neutral and non-polar, with phenylalanine, which is neutral and non-polar, at codon 21 of the FLNA protein (p.Val21Phe). This variant is not present in population databases (gnomAD no frequency). This variant has not been reported in the literature in individuals affected with FLNA-related conditions. ClinVar contains an entry for this variant (Variation ID: 651279). Invitae Evidence Modeling of protein sequence and biophysical properties (such as structural, functional, and spatial information, amino acid conservation, physicochemical variation, residue mobility, and thermodynamic stability) indicates that this missense variant is not expected to disrupt FLNA protein function with a negative predictive value of 95%. In summary, the available evidence is currently insufficient to determine the role of this variant in disease. Therefore, it has been classified as a Variant of Uncertain Significance.

Ambry Genetics
Classification: Uncertain significance for Familial thoracic aortic aneurysm and aortic dissection. Last evaluated: 2019-05-31. Review status: criteria provided, single submitter. Criteria: Ambry Variant Classification Scheme 2023. Collection method: clinical testing. Allele origin: germline.
Comment: The p.V21F variant (also known as c.61G>T), located in coding exon 1 of the FLNA gene, results from a G to T substitution at nucleotide position 61. The valine at codon 21 is replaced by phenylalanine, an amino acid with highly similar properties. This amino acid position is poorly conserved in available vertebrate species. In addition, this alteration is predicted to be tolerated by in silico analysis. Since supporting evidence is limited at this time, the clinical significance of this alteration remains unclear.